The following is an entry in ClinVar:

ClinVar aggregate classification (germline): Uncertain significance (1 of 4 stars; one submission).

Submission:

CeGaT Center for Human Genetics Tuebingen
Classification: Uncertain significance. Last evaluated: 2024-03-01. Review status: criteria provided, single submitter. Criteria: CeGaT Center For Human Genetics Tuebingen Variant Classification Criteria Version 2. Collection method: clinical testing. Allele origin: germline. Affected: yes. Observed: 1 variant allele.
Comment: PKD1: PM2, PM5

NM_001009944.3(PKD1):c.6832G>T (p.Gly2278Trp)

Gene: PKD1 (polycystin 1, transient receptor potential channel interacting; minus strand). Cytogenetic location: 16p13.3.
Variant type: single nucleotide variant.
Coding change: c.6832G>T on transcript NM_001009944.3 (MANE Select); coding-DNA position 6832, G replaced by T.
Protein change: p.Gly2278Trp; replaces glycine 2278 with tryptophan.
Molecular consequence: missense variant.
Genome position (GRCh38, 1-based): chr16:2,108,335, C>A on the plus strand (G>T on the coding strand, the complement: PKD1 is on the minus strand). VCF-style: chr16-2108335-C-A. GRCh37 (hg19) VCF-style: chr16-2158336-C-A.
Other names: c.6832G>T, p.Gly2278Trp (NM_000296.4); short protein forms G2278W.
Identifiers: ClinVar variation 3067519 (VCV003067519.21), dbSNP rs1555454145, ClinGen allele CA394372806.